The following is an entry in ClinVar:

NM_001145809.2(MYH14):c.3822G>T (p.Arg1274=)

Gene: MYH14 (myosin heavy chain 14; plus strand). Cytogenetic location: 19q13.33.
Variant type: single nucleotide variant.
Coding change: c.3822G>T on transcript NM_001145809.2 (MANE Select); coding-DNA position 3822, G replaced by T.
Protein change: p.Arg1274=; no amino-acid change (arginine 1274 retained).
Molecular consequence: synonymous variant.
Genome position (GRCh38, 1-based): chr19:50,276,898, G>T. VCF-style: chr19-50276898-G-T. GRCh37 (hg19) VCF-style: chr19-50780155-G-T.
Other names: c.3723G>T, p.Arg1241= (NM_001077186.2); c.3699G>T, p.Arg1233= (NM_024729.4).
Identifiers: ClinVar variation 1313571 (VCV001313571.2), dbSNP rs1239040185, ClinGen allele CA508176938.
Genomic context (GRCh38, chr19:50,276,898, plus strand): 5'-GCTGAGGCAGCGCCACGGCCAGGCCCTGGGGGAGCTGGCGGAGCAGCTGGAGCAGGCCCG[G>T]AGGGTGGGTTGGGGCAGGGGGACAGGGCAGGGGGGCCACGGGGAGGGCAGGGCAGGACGC-3'
Protein context (NP_001139281.1, residues 1264-1284): GELAEQLEQA[Arg1274=]RGKGAWEKTR

ClinVar aggregate classification (germline): Uncertain significance (1 of 4 stars; one submission).

Allele frequency attached by ClinVar (database versions not stated): gnomAD exomes below 0.00001; gnomAD 0.00001.
gnomAD v4.1: 2 of 1,606,810 alleles (0.00012%); highest among the groups gnomAD compares: Admixed American, 0.0034%; no homozygotes.

Submission:

GeneDx
Classification: Uncertain significance. Last evaluated: 2020-10-29. Review status: criteria provided, single submitter. Criteria: GeneDx Variant Classification Process June 2021. Collection method: clinical testing. Allele origin: germline. Affected: yes.
Comment: Not observed at a significant frequency in large population cohorts (Lek et al., 2016); In-silico analysis, which includes splice predictors and evolutionary conservation, is inconclusive as to whether the variant alters gene splicing. In the absence of RNA/functional studies, the actual effect of this sequence change is unknown.; Has not been previously published as pathogenic or benign to our knowledge